The following is an entry in ClinVar:

NC_000001.10:g.(?_155580008)_(155584743_?)dup

Gene: MSTO1 (misato mitochondrial distribution and morphology regulator 1; plus strand). Cytogenetic location: 1q22.
Variant type: Duplication.
Identifiers: ClinVar variation 4537091 (VCV004537091.1).

ClinVar aggregate classification (germline): Uncertain significance (1 of 4 stars; one submission).

Submission:

Women's Health and Genetics/Laboratory Corporation of America, LabCorp
Classification: Uncertain significance. Last evaluated: 2025-11-04. Review status: criteria provided, single submitter. Criteria: LabCorp Variant Classification Summary - May 2015. Collection method: clinical testing. Allele origin: germline.
Comment: Variant summary: The variant involves the duplication of exons 1-14 in the MSTO1 gene. A presumed nomenclature of c.(?_-32)_(*679_?)dup has been designated for the purposes of this classification. This duplication includes the entire coding sequence of the gene. As exact breakpoints are unknown, it may extend beyond the annotated region of the gene, to include other flanking genes. The variant was absent in 20662 control chromosomes. The available data on variant occurrences in the general population are insufficient to allow any conclusion about variant significance. To our knowledge, no occurrence of c.(?_-32)_(*679_?)dup in individuals affected with MSTO1-related conditions and no experimental evidence demonstrating its impact on protein function have been reported. No submitters have cited clinical-significance assessments for this variant to ClinVar. Based on the evidence outlined above, the variant was classified as uncertain significance.